The following is an entry in ClinVar:

ClinVar aggregate classification (germline): Uncertain significance (1 of 4 stars; one submission).

Allele frequency attached by ClinVar (database versions not stated): TOPMed below 0.00001; gnomAD 0.00001.
gnomAD v4.1: 2 of 1,608,182 alleles (0.00012%); highest among the groups gnomAD compares: Admixed American, 0.0017%; no homozygotes.

Submission:

Labcorp Genetics (formerly Invitae), Labcorp
Classification: Uncertain significance. Last evaluated: 2023-08-04. Review status: criteria provided, single submitter. Criteria: Invitae Variant Classification Sherloc (09022015). Collection method: clinical testing. Allele origin: germline.
Comment: This sequence change replaces asparagine, which is neutral and polar, with serine, which is neutral and polar, at codon 1646 of the ADGRV1 protein (p.Asn1646Ser). This variant is not present in population databases (gnomAD no frequency). This variant has not been reported in the literature in individuals affected with ADGRV1-related conditions. ClinVar contains an entry for this variant (Variation ID: 2160245). Advanced modeling of protein sequence and biophysical properties (such as structural, functional, and spatial information, amino acid conservation, physicochemical variation, residue mobility, and thermodynamic stability) performed at Invitae indicates that this missense variant is not expected to disrupt ADGRV1 protein function. In summary, the available evidence is currently insufficient to determine the role of this variant in disease. Therefore, it has been classified as a Variant of Uncertain Significance.

NM_032119.4(ADGRV1):c.4937A>G (p.Asn1646Ser)

Gene: ADGRV1 (adhesion G protein-coupled receptor V1; plus strand). Cytogenetic location: 5q14.3.
Variant type: single nucleotide variant.
Coding change: c.4937A>G on transcript NM_032119.4 (MANE Select); coding-DNA position 4937, A replaced by G.
Protein change: p.Asn1646Ser; replaces asparagine 1646 with serine.
Molecular consequence: missense variant. On other transcripts: non-coding transcript variant (1).
Genome position (GRCh38, 1-based): chr5:90,674,061, A>G. VCF-style: chr5-90674061-A-G. GRCh37 (hg19) VCF-style: chr5-89969878-A-G.
Other names: short protein forms N1646S.
Identifiers: ClinVar variation 2160245 (VCV002160245.4), dbSNP rs968118880, ClinGen allele CA122799227.